The following is an entry in ClinVar:

ClinVar aggregate classification (germline): Uncertain significance (1 of 4 stars; one submission).

Submission:

CeGaT Center for Human Genetics Tuebingen
Classification: Uncertain significance. Last evaluated: 2025-09-01. Review status: criteria provided, single submitter. Criteria: CeGaT Center For Human Genetics Tuebingen Variant Classification Criteria Version 2. Collection method: clinical testing. Allele origin: germline. Affected: yes. Observed: 3 variant alleles.
Comment: HERC2: PM2, PP2, PP3

NM_004667.6(HERC2):c.9607A>C (p.Asn3203His)

Gene: HERC2 (HECT and RLD domain containing E3 ubiquitin protein ligase 2; minus strand). Cytogenetic location: 15q13.1.
Variant type: single nucleotide variant.
Coding change: c.9607A>C on transcript NM_004667.6 (MANE Select); coding-DNA position 9607, A replaced by C.
Protein change: p.Asn3203His; replaces asparagine 3203 with histidine.
Molecular consequence: missense variant.
Genome position (GRCh38, 1-based): chr15:28,176,507, T>G on the plus strand (A>C on the coding strand, the complement: HERC2 is on the minus strand). VCF-style: chr15-28176507-T-G. GRCh37 (hg19) VCF-style: chr15-28421653-T-G.
Other names: short protein forms N3203H.
Identifiers: ClinVar variation 872638 (VCV000872638.41), dbSNP rs1895307345, ClinGen allele CA391383678.
Genomic context (GRCh38, chr15:28,176,507, plus strand): 5'-ACTTGGTGAGCGCCAGGGAGAACTGAGCTCCACACTCAATCTGGCACACCCCCTGTCCAT[T>G]TAGTCTCTCAATGTTCTGGGGAATGTTACAGCCTTCACTTCCGCCCCGGCCCAGTTTTCC-3'
Protein context (NP_004658.3, residues 3193-3213): CNIPQNIERL[Asn3203His]GQGVCQIECG